The following is an entry in ClinVar:

NM_032638.5(GATA2):c.70T>A (p.Ser24Thr)

Gene: GATA2 (GATA binding protein 2; minus strand). Cytogenetic location: 3q21.3.
Variant type: single nucleotide variant.
Coding change: c.70T>A on transcript NM_032638.5 (MANE Select); coding-DNA position 70, T replaced by A.
Protein change: p.Ser24Thr; replaces serine 24 with threonine.
Molecular consequence: missense variant.
Genome position (GRCh38, 1-based): chr3:128,486,962, A>T on the plus strand (T>A on the coding strand, the complement: GATA2 is on the minus strand). VCF-style: chr3-128486962-A-T. GRCh37 (hg19) VCF-style: chr3-128205805-A-T.
Other names: c.70T>A, p.Ser24Thr (NM_001145661.2, NM_001145662.1); short protein forms S24T.
Identifiers: ClinVar variation 4028462 (VCV004028462.1).

ClinVar aggregate classification (germline): Uncertain significance (1 of 4 stars; one submission).

Conditions:
Inborn genetic diseases. Identifiers: MedGen C0950123, MeSH D030342.

Submission:

Ambry Genetics
Classification: Uncertain significance for Inborn genetic diseases. Last evaluated: 2025-04-22. Review status: criteria provided, single submitter. Criteria: Ambry Variant Classification Scheme 2023. Collection method: clinical testing. Allele origin: germline.
Comment: The p.S24T variant (also known as c.70T>A), located in coding exon 1 of the GATA2 gene, results from a T to A substitution at nucleotide position 70. The serine at codon 24 is replaced by threonine, an amino acid with similar properties. This amino acid position is conserved. In addition, the in silico prediction for this alteration is inconclusive. Based on the available evidence, the clinical significance of this variant remains unclear.